The following is an entry in ClinVar:

NM_138295.5(PKD1L1):c.1005G>T (p.Arg335Ser)

Gene: PKD1L1 (polycystin 1 like 1, transient receptor potential channel interacting; minus strand). Cytogenetic location: 7p12.3.
Variant type: single nucleotide variant.
Coding change: c.1005G>T on transcript NM_138295.5 (MANE Select); coding-DNA position 1005, G replaced by T.
Protein change: p.Arg335Ser; replaces arginine 335 with serine.
Molecular consequence: missense variant.
Genome position (GRCh38, 1-based): chr7:47,929,259, C>A on the plus strand (G>T on the coding strand, the complement: PKD1L1 is on the minus strand). VCF-style: chr7-47929259-C-A. GRCh37 (hg19) VCF-style: chr7-47968856-C-A.
Other names: short protein forms R335S.
Identifiers: ClinVar variation 2105400 (VCV002105400.4), dbSNP rs2128755206, ClinGen allele CA367463020.
Genomic context (GRCh38, chr7:47,929,259, plus strand): 5'-CTTACCTTTTGAGTACTGGTGGTAGGCAGTCACCGCCATTGCCTCAGACATGTTGTGTAG[C>A]CTCATTTCAACCCCAGAACTGTCCCCGAAATCCATCATCAGACAGAGAGCCTCTCCAGAA-3'
Protein context (NP_612152.1, residues 325-345): DFGDSSGVEM[Arg335Ser]LHNMSEAMAV

ClinVar aggregate classification (germline): Uncertain significance (1 of 4 stars; one submission).

Submission:

Labcorp Genetics (formerly Invitae), Labcorp
Classification: Uncertain significance. Last evaluated: 2022-03-01. Review status: criteria provided, single submitter. Criteria: Invitae Variant Classification Sherloc (09022015). Collection method: clinical testing. Allele origin: germline.
Comment: This sequence change replaces arginine, which is basic and polar, with serine, which is neutral and polar, at codon 335 of the PKD1L1 protein (p.Arg335Ser). This variant is not present in population databases (gnomAD no frequency). This variant has not been reported in the literature in individuals affected with PKD1L1-related conditions. Algorithms developed to predict the effect of missense changes on protein structure and function output the following: SIFT: "Tolerated"; PolyPhen-2: "Benign"; Align-GVGD: "Class C0". The serine amino acid residue is found in multiple mammalian species, which suggests that this missense change does not adversely affect protein function. In summary, the available evidence is currently insufficient to determine the role of this variant in disease. Therefore, it has been classified as a Variant of Uncertain Significance.